The following is an entry in ClinVar:

NM_177438.3(DICER1):c.3775G>T (p.Ala1259Ser)

Gene: DICER1 (dicer 1, ribonuclease III; minus strand). Cytogenetic location: 14q32.13.
Variant type: single nucleotide variant.
Coding change: c.3775G>T on transcript NM_177438.3 (MANE Select); coding-DNA position 3775, G replaced by T.
Protein change: p.Ala1259Ser; replaces alanine 1259 with serine.
Molecular consequence: missense variant. On other transcripts: non-coding transcript variant (6).
Genome position (GRCh38, 1-based): chr14:95,103,621, C>A on the plus strand (G>T on the coding strand, the complement: DICER1 is on the minus strand). VCF-style: chr14-95103621-C-A. GRCh37 (hg19) VCF-style: chr14-95569958-C-A.
Other names: c.3775G>T, p.Ala1259Ser (NM_001195573.1, NM_001271282.3, NM_001291628.2 and 12 more transcripts); c.3493G>T, p.Ala1165Ser (NM_001395686.1); c.3370G>T, p.Ala1124Ser (NM_001395687.1, NM_001395688.1, NM_001395689.1 and 2 more transcripts); c.3208G>T, p.Ala1070Ser (NM_001395691.1); c.2092G>T, p.Ala698Ser (NM_001395697.1); short protein forms A1165S, A1259S, A698S, A1070S, A1124S.
Identifiers: ClinVar variation 4011591 (VCV004011591.2).

ClinVar aggregate classification (germline): Uncertain significance. Review status: criteria provided, multiple submitters, no conflicts (2 of 4 stars). 2 submissions from 2 submitters: Uncertain significance (2). Last evaluated 2026-01-14.

Conditions:
DICER1-related tumor predisposition. Also called: DICER1-related pleuropulmonary blastoma cancer predisposition syndrome; DICER1 syndrome. Identifiers: Orphanet 284343, MedGen C3839822, MONDO:0100216.
Hereditary cancer-predisposing syndrome. Also called: Neoplastic Syndromes, Hereditary; Tumor predisposition; Hereditary Cancer Syndrome; Hereditary neoplastic syndrome. Identifiers: Orphanet 140162, MedGen C0027672, MeSH D009386, MONDO:0015356.

Submissions (2):

Labcorp Genetics (formerly Invitae), Labcorp
Classification: Uncertain significance for DICER1-related tumor predisposition. Last evaluated: 2026-01-14. Review status: criteria provided, single submitter. Criteria: Invitae Variant Classification Sherloc (09022015). Collection method: clinical testing. Allele origin: germline.
Comment: This sequence change replaces alanine, which is neutral and non-polar, with serine, which is neutral and polar, at codon 1259 of the DICER1 protein (p.Ala1259Ser). This variant is not present in population databases (gnomAD no frequency). This variant has not been reported in the literature in individuals affected with DICER1-related conditions. ClinVar contains an entry for this variant (Variation ID: 4011591). Invitae Evidence Modeling of protein sequence and biophysical properties (such as structural, functional, and spatial information, amino acid conservation, physicochemical variation, residue mobility, and thermodynamic stability) indicates that this missense variant is not expected to disrupt DICER1 protein function with a negative predictive value of 95%. In summary, the available evidence is currently insufficient to determine the role of this variant in disease. Therefore, it has been classified as a Variant of Uncertain Significance.

Ambry Genetics
Classification: Uncertain significance for Hereditary cancer-predisposing syndrome. Last evaluated: 2025-03-18. Review status: criteria provided, single submitter. Criteria: Ambry Variant Classification Scheme 2023. Collection method: clinical testing. Allele origin: germline.
Comment: The p.A1259S variant (also known as c.3775G>T), located in coding exon 20 of the DICER1 gene, results from a G to T substitution at nucleotide position 3775. The alanine at codon 1259 is replaced by serine, an amino acid with similar properties. This amino acid position is conserved. In addition, this alteration is predicted to be tolerated by in silico analysis. Based on the available evidence, the clinical significance of this variant remains unclear.